The following is an entry in ClinVar:

NM_001079802.2(FKTN):c.910+1G>T

Gene: FKTN (fukutin; plus strand). Cytogenetic location: 9q31.2.
Variant type: single nucleotide variant.
Coding change: c.910+1G>T on transcript NM_001079802.2 (MANE Select); the canonical splice donor site of the intron after coding-DNA position 910, G replaced by T.
Molecular consequence: splice donor variant.
Genome position (GRCh38, 1-based): chr9:105,615,408, G>T. VCF-style: chr9-105615408-G-T. GRCh37 (hg19) VCF-style: chr9-108377689-G-T.
Other names: c.910+1G>T (NM_006731.2, NM_001351496.2, NM_001198963.2 and 1 more transcripts); c.514+1G>T (NM_001351502.2, NM_001351499.2, NM_001351500.2 and 1 more transcripts); c.841+1G>T (NM_001351497.2).
Identifiers: ClinVar variation 4081683 (VCV004081683.1).

ClinVar aggregate classification (germline): Likely pathogenic (1 of 4 stars; one submission).

Conditions:
Myopathy caused by variation in FKTN. Identifiers: MedGen CN305638, MONDO:0700067.

Submission:

Myriad Genetics, Inc.
Classification: Likely pathogenic for Myopathy caused by variation in FKTN. Last evaluated: 2025-05-12. Review status: criteria provided, single submitter. Criteria: Myriad Autosomal Dominant, Autosomal Recessive and X-Linked Classification Criteria (2023). Collection method: clinical testing. Allele origin: unknown.
Comment: NM_001079802.1(FKTN):c.910+1G>T is a variant in a canonical splice site classified as likely pathogenic in the context of FKTN-related disorders. c.910+1G>T has not been observed in cases with relevant disease. Relevant functional assessments of this variant are not available in the literature. c.910+1G>T has not been observed in referenced population frequency databases. In summary, NM_001079802.1(FKTN):c.910+1G>T is a variant in a canonical splice site in a gene where loss of function is a known mechanism of disease and is predicted to disrupt protein function. Please note: this variant was assessed in the context of healthy population screening.